The following is an entry in ClinVar:

ClinVar aggregate classification (germline): Conflicting classifications of pathogenicity. Review status: criteria provided, conflicting classifications (1 of 4 stars). 2 submissions from 2 submitters: Uncertain significance (1); Likely benign (1). Last evaluated 2022-08-12.

Conditions:
POLD1-related polyposis and colorectal cancer syndrome (CRCS10). Also called: Colorectal cancer 10; COLORECTAL CANCER, SUSCEPTIBILITY TO, ON CHROMOSOME 19q; Colorectal cancer, susceptibility to, 10. Identifiers: Orphanet 220460, MedGen C2675481, MONDO:0012953, OMIM 612591.
Hereditary cancer-predisposing syndrome. Also called: Tumor predisposition; Hereditary Cancer Syndrome; Hereditary neoplastic syndrome; Neoplastic Syndromes, Hereditary. Identifiers: Orphanet 140162, MedGen C0027672, MeSH D009386, MONDO:0015356.

gnomAD v4.1: 1 of 1,552,214 alleles (0.000064%); highest among the groups gnomAD compares: South Asian, 0.0012%; no homozygotes.

Submissions (2):

Labcorp Genetics (formerly Invitae), Labcorp
Classification: Uncertain significance for POLD1-related polyposis and colorectal cancer syndrome. Last evaluated: 2022-08-12. Review status: criteria provided, single submitter. Criteria: Invitae Variant Classification Sherloc (09022015). Collection method: clinical testing. Allele origin: germline.
Comment: Algorithms developed to predict the effect of sequence changes on RNA splicing suggest that this variant is not likely to affect RNA splicing. This sequence change affects codon 984 of the POLD1 mRNA. It is a 'silent' change, meaning that it does not change the encoded amino acid sequence of the POLD1 protein. It affects a nucleotide within the consensus splice site. This variant is not present in population databases (gnomAD no frequency). This variant has not been reported in the literature in individuals affected with POLD1-related conditions. In summary, the available evidence is currently insufficient to determine the role of this variant in disease. Therefore, it has been classified as a Variant of Uncertain Significance.

Ambry Genetics
Classification: Likely benign for Hereditary cancer-predisposing syndrome. Last evaluated: 2019-08-19. Review status: criteria provided, single submitter. Criteria: Ambry Variant Classification Scheme 2023. Collection method: clinical testing. Allele origin: germline.

NM_002691.4(POLD1):c.2952G>A (p.Leu984=)

Gene: POLD1 (DNA polymerase delta 1, catalytic subunit; plus strand). Cytogenetic location: 19q13.33.
Variant type: single nucleotide variant.
Coding change: c.2952G>A on transcript NM_002691.4 (MANE Select); coding-DNA position 2952, G replaced by A.
Protein change: p.Leu984=; no amino-acid change (leucine 984 retained).
Molecular consequence: synonymous variant. On other transcripts: non-coding transcript variant (1).
Genome position (GRCh38, 1-based): chr19:50,416,527, G>A. VCF-style: chr19-50416527-G-A. GRCh37 (hg19) VCF-style: chr19-50919784-G-A.
Other names: c.2952G>A, p.Leu984= (NM_001256849.1); c.3030G>A, p.Leu1010= (NM_001308632.1).
Identifiers: ClinVar variation 1798070 (VCV001798070.7), dbSNP rs1227560475, ClinGen allele CA508305380.
Genomic context (GRCh38, chr19:50,416,527, plus strand): 5'-GCCCCTCCTGCGCATCTTCGAGCCCATCCTGGGCGAGGGCCGTGCCGAGGCTGTGCTACT[G>A]CGTACGGGGGCACCAGGGGACTGGGGGCACCCTGGGGGGGCAGAGGAGATCACCGGCCCA-3'
Protein context (NP_002682.2, residues 974-994): LGEGRAEAVL[Leu984=]RGDHTRCKTV